The following is an entry in ClinVar:

ClinVar aggregate classification (germline): Uncertain significance (1 of 4 stars; one submission).

Conditions:
Baller-Gerold syndrome (BGS). Also called: CRANIOSYNOSTOSIS WITH RADIAL DEFECTS. Identifiers: Orphanet 1225, MedGen C0265308, MONDO:0009039, OMIM 218600.

Submission:

Labcorp Genetics (formerly Invitae), Labcorp
Classification: Uncertain significance for Baller-Gerold syndrome. Last evaluated: 2021-06-12. Review status: criteria provided, single submitter. Criteria: Invitae Variant Classification Sherloc (09022015). Collection method: clinical testing. Allele origin: germline.
Comment: In summary, the available evidence is currently insufficient to determine the role of this variant in disease. Therefore, it has been classified as a Variant of Uncertain Significance. Experimental studies and prediction algorithms are not available or were not evaluated, and the functional significance of this variant is currently unknown. This variant has not been reported in the literature in individuals with RECQL4-related conditions. This variant is not present in population databases (ExAC no frequency). This sequence change replaces proline with alanine at codon 662 of the RECQL4 protein (p.Pro662Ala). The proline residue is weakly conserved and there is a small physicochemical difference between proline and alanine.

NM_004260.4(RECQL4):c.1984C>G (p.Pro662Ala)

Gene: RECQL4 (RecQ like helicase 4; minus strand). Cytogenetic location: 8q24.3.
Variant type: single nucleotide variant.
Coding change: c.1984C>G on transcript NM_004260.4 (MANE Select); coding-DNA position 1984, C replaced by G.
Protein change: p.Pro662Ala; replaces proline 662 with alanine.
Molecular consequence: missense variant.
Genome position (GRCh38, 1-based): chr8:144,514,002, G>C on the plus strand (C>G on the coding strand, the complement: RECQL4 is on the minus strand). VCF-style: chr8-144514002-G-C. GRCh37 (hg19) VCF-style: chr8-145739386-G-C.
Other names: short protein forms P662A.
Identifiers: ClinVar variation 1498076 (VCV001498076.6), dbSNP rs1827777139, ClinGen allele CA372680366.